The following is an entry in ClinVar:

NM_018089.3(ANKZF1):c.842G>C (p.Gly281Ala)

Gene: ANKZF1 (ankyrin repeat and zinc finger peptidyl tRNA hydrolase 1; plus strand). Cytogenetic location: 2q35.
Variant type: single nucleotide variant.
Coding change: c.842G>C on transcript NM_018089.3 (MANE Select); coding-DNA position 842, G replaced by C.
Protein change: p.Gly281Ala; replaces glycine 281 with alanine.
Molecular consequence: missense variant.
Genome position (GRCh38, 1-based): chr2:219,233,737, G>C. VCF-style: chr2-219233737-G-C. GRCh37 (hg19) VCF-style: chr2-220098459-G-C.
Other names: c.842G>C, p.Gly281Ala (NM_001042410.2); c.212G>C, p.Gly71Ala (NM_001282792.2); short protein forms G281A, G71A.
Identifiers: ClinVar variation 2631469 (VCV002631469.2), dbSNP rs751470856, ClinGen allele CA350677009.

ClinVar aggregate classification (germline): Uncertain significance. Review status: criteria provided, multiple submitters, no conflicts (2 of 4 stars). 2 submissions from 2 submitters: Uncertain significance (2). Last evaluated 2025-06-06.

Conditions:
ANKZF1-related disorder. Also called: ANKZF1-related condition.

Allele frequency attached by ClinVar (database versions not stated): gnomAD 0.00001.
gnomAD v4.1: 2 of 1,613,380 alleles (0.00012%); highest among the groups gnomAD compares: Non-Finnish European, 0.00017%; no homozygotes.

Submissions (2):

Ambry Genetics
Classification: Uncertain significance. Last evaluated: 2025-06-06. Review status: criteria provided, single submitter. Criteria: Ambry Variant Classification Scheme 2023. Collection method: clinical testing. Allele origin: germline.

PreventionGenetics, part of Exact Sciences
Classification: Uncertain significance for ANKZF1-related condition. Last evaluated: 2023-06-26. Review status: criteria provided, single submitter. Criteria: ACMG Guidelines, 2015. Collection method: clinical testing. Allele origin: germline.
Comment: The ANKZF1 c.842G>C variant is predicted to result in the amino acid substitution p.Gly281Ala. To our knowledge, this variant has not been reported in the literature or in a large population database, indicating this variant is rare. At this time, the clinical significance of this variant is uncertain due to the absence of conclusive functional and genetic evidence.